The following is an entry in ClinVar:

ClinVar aggregate classification (germline): Uncertain significance (1 of 4 stars; one submission).

Allele frequency attached by ClinVar (database versions not stated): gnomAD 0.00001.

Submission:

Labcorp Genetics (formerly Invitae), Labcorp
Classification: Uncertain significance. Last evaluated: 2024-03-14. Review status: criteria provided, single submitter. Criteria: Invitae Variant Classification Sherloc (09022015). Collection method: clinical testing. Allele origin: germline.
Comment: This sequence change replaces glutamic acid, which is acidic and polar, with lysine, which is basic and polar, at codon 418 of the DOCK6 protein (p.Glu418Lys). This variant is not present in population databases (gnomAD no frequency). This variant has not been reported in the literature in individuals affected with DOCK6-related conditions. Advanced modeling of protein sequence and biophysical properties (such as structural, functional, and spatial information, amino acid conservation, physicochemical variation, residue mobility, and thermodynamic stability) performed at Invitae indicates that this missense variant is not expected to disrupt DOCK6 protein function with a negative predictive value of 80%. In summary, the available evidence is currently insufficient to determine the role of this variant in disease. Therefore, it has been classified as a Variant of Uncertain Significance.

NM_020812.4(DOCK6):c.1252G>A (p.Glu418Lys)

Gene: DOCK6 (dedicator of cytokinesis 6; minus strand). Cytogenetic location: 19p13.2.
Variant type: single nucleotide variant.
Coding change: c.1252G>A on transcript NM_020812.4 (MANE Select); coding-DNA position 1252, G replaced by A.
Protein change: p.Glu418Lys; replaces glutamic acid 418 with lysine.
Molecular consequence: missense variant.
Genome position (GRCh38, 1-based): chr19:11,243,563, C>T on the plus strand (G>A on the coding strand, the complement: DOCK6 is on the minus strand). VCF-style: chr19-11243563-C-T. GRCh37 (hg19) VCF-style: chr19-11354239-C-T.
Other names: c.1252G>A, p.Glu418Lys (NM_001367830.1); short protein forms E418K.
Identifiers: ClinVar variation 3003966 (VCV003003966.3), dbSNP rs2079983359, ClinGen allele CA404109939.